The following is an entry in ClinVar:

ClinVar aggregate classification (germline): Uncertain significance (1 of 4 stars; one submission).

Conditions:
Hereditary cancer-predisposing syndrome. Also called: Tumor predisposition; Neoplastic Syndromes, Hereditary; Hereditary Cancer Syndrome; Hereditary neoplastic syndrome. Identifiers: Orphanet 140162, MedGen C0027672, MeSH D009386, MONDO:0015356.

Submission:

Ambry Genetics
Classification: Uncertain significance for Hereditary cancer-predisposing syndrome. Last evaluated: 2024-11-14. Review status: criteria provided, single submitter. Criteria: Ambry Variant Classification Scheme 2023. Collection method: clinical testing. Allele origin: germline.
Comment: The p.V131D variant (also known as c.392T>A), located in coding exon 5 of the CDC73 gene, results from a T to A substitution at nucleotide position 392. The valine at codon 131 is replaced by aspartic acid, an amino acid with highly dissimilar properties. This amino acid position is conserved. In addition, the in silico prediction for this alteration is inconclusive. Based on the available evidence, the clinical significance of this variant remains unclear.

NM_024529.5(CDC73):c.392T>A (p.Val131Asp)

Gene: CDC73 (cell division cycle 73; plus strand). Cytogenetic location: 1q31.2.
Variant type: single nucleotide variant.
Coding change: c.392T>A on transcript NM_024529.5 (MANE Select); coding-DNA position 392, T replaced by A.
Protein change: p.Val131Asp; replaces valine 131 with aspartic acid.
Molecular consequence: missense variant.
Genome position (GRCh38, 1-based): chr1:193,135,558, T>A. VCF-style: chr1-193135558-T-A. GRCh37 (hg19) VCF-style: chr1-193104688-T-A.
Other names: short protein forms V131D.
Identifiers: ClinVar variation 3488538 (VCV003488538.1).
Genomic context (GRCh38, chr1:193,135,558, plus strand): 5'-CCAAAACTACACATTTATTTACTTCTCTTTCTTTTATAGTCAAACGAGCTGCAGATGAAG[T>A]TTTAGCAGAAGCAAAGAAACCACGAATTGAGGTAAAGAAACTGTATTTTAAACAATTTTA-3'
Protein context (NP_078805.3, residues 121-141): STQVKRAADE[Val131Asp]LAEAKKPRIE